The following is an entry in ClinVar:

NM_018122.5(DARS2):c.587A>G (p.Lys196Arg)

Gene: DARS2 (aspartyl-tRNA synthetase 2, mitochondrial; plus strand). Cytogenetic location: 1q25.1.
Variant type: single nucleotide variant.
Coding change: c.587A>G on transcript NM_018122.5 (MANE Select); coding-DNA position 587, A replaced by G.
Protein change: p.Lys196Arg; replaces lysine 196 with arginine.
Molecular consequence: missense variant.
Genome position (GRCh38, 1-based): chr1:173,833,470, A>G. VCF-style: chr1-173833470-A-G. GRCh37 (hg19) VCF-style: chr1-173802608-A-G.
Other names: p.K196R:AAA>AGA; c.587A>G, p.Lys196Arg (NM_001365212.1, NM_001365213.2); short protein forms K196R.
Identifiers: ClinVar variation 21547 (VCV000021547.20), dbSNP rs35515638, ClinGen allele CA290571.
Genomic context (GRCh38, chr1:173,833,470, plus strand): 5'-TAGACTTGCGTAGTTTCCAAATGCAGTATAACCTGCGACTGAGGTCCCAGATGGTCATGA[A>G]AATGCGGGAATATCTCTGTAATCTGCATGGTAAGAGAAATGCCTGGATGCTCTTTGGAGC-3'
Protein context (NP_060592.2, residues 186-206): NLRLRSQMVM[Lys196Arg]MREYLCNLHG

ClinVar aggregate classification (germline): Benign. Review status: criteria provided, multiple submitters, no conflicts (2 of 4 stars). 7 submissions from 7 submitters: Benign (6). 1 of the submissions does not count toward it. Last evaluated 2026-01-25.

Conditions:
Leukoencephalopathy with brain stem and spinal cord involvement-high lactate syndrome (LBSL). Also called: MITOCHONDRIAL ASPARTYL-tRNA SYNTHETASE DEFICIENCY; LEUKOENCEPHALOPATHY WITH BRAINSTEM AND SPINAL CORD INVOLVEMENT AND LACTATE ELEVATION, MILD; Leukoencephalopathy with Brainstem and Spinal Cord Involvement and Lactate Elevation. Identifiers: Orphanet 137898, MedGen C1970180, MONDO:0012622, OMIM 611105.

Allele frequency attached by ClinVar (database versions not stated): gnomAD exomes 0.00235 and 0.00621; ExAC 0.00745; 1000 Genomes Project 0.02416; gnomAD 0.02485 and 0.02693; 1000 Genomes Project 30x 0.02717; TOPMed 0.02840; ESP Exome Variant Server 0.02883.
gnomAD v4.1: 7,335 of 1,614,146 alleles (0.45%); highest among the groups gnomAD compares: African/African-American, 8.8%; 315 homozygotes.

Submissions (7):

Labcorp Genetics (formerly Invitae), Labcorp
Classification: Benign. Last evaluated: 2026-01-25. Review status: criteria provided, single submitter. Criteria: Invitae Variant Classification Sherloc (09022015). Collection method: clinical testing. Allele origin: germline.

ARUP Laboratories, Molecular Genetics and Genomics, ARUP Laboratories
Classification: Benign for Leukoencephalopathy with brain stem and spinal cord involvement-high lactate syndrome. Last evaluated: 2023-09-21. Review status: criteria provided, single submitter. Criteria: ARUP Molecular Germline Variant Investigation Process 2024. Collection method: clinical testing. Allele origin: germline.

Genome-Nilou Lab
Classification: Benign for Leukoencephalopathy with brain stem and spinal cord involvement-high lactate syndrome. Last evaluated: 2023-04-11. Review status: criteria provided, single submitter. Criteria: ACMG Guidelines, 2015. Collection method: clinical testing. Allele origin: germline. Affected: no.

Illumina Laboratory Services, Illumina
Classification: Benign for Leukoencephalopathy with brain stem and spinal cord involvement-high lactate syndrome. Last evaluated: 2018-01-12. Review status: criteria provided, single submitter. Criteria: ICSL Variant Classification Criteria 13 December 2019. Collection method: clinical testing. Allele origin: germline.
Comment: This variant was observed in the ICSL laboratory as part of a predisposition screen in an ostensibly healthy population. It had not been previously curated by ICSL or reported in the Human Gene Mutation Database (HGMD: prior to June 1st, 2018), and was therefore a candidate for classification through an automated scoring system. Utilizing variant allele frequency, disease prevalence and penetrance estimates, and inheritance mode, an automated score was calculated to assess if this variant is too frequent to cause the disease. Based on the score and internal cut-off values, a variant classified as benign is not then subjected to further curation. The score for this variant resulted in a classification of benign for this disease.

GeneDx
Classification: Benign. Last evaluated: 2013-12-26. Review status: criteria provided, single submitter. Criteria: GeneDx Variant Classification (06012015). Collection method: clinical testing. Allele origin: germline. Affected: yes.
Comment: This variant is considered likely benign or benign based on one or more of the following criteria: it is a conservative change, it occurs at a poorly conserved position in the protein, it is predicted to be benign by multiple in silico algorithms, and/or has population frequency not consistent with disease.

Breakthrough Genomics
Classification: Benign. Review status: criteria provided, single submitter. Criteria: ACMG Guidelines, 2015. Collection method: not provided. Allele origin: germline. Inheritance: Autosomal recessive inheritance. Affected: yes.

Mayo Clinic Laboratories, Mayo Clinic
Classification: Benign. Last evaluated: 2016-03-16. Review status: no assertion criteria provided. Collection method: clinical testing. Allele origin: unknown. Not counted in ClinVar's aggregate classification.